The following is an entry in ClinVar:

ClinVar aggregate classification (germline): Uncertain significance. Review status: criteria provided, multiple submitters, no conflicts (2 of 4 stars). 3 submissions from 3 submitters: Uncertain significance (3). Last evaluated 2025-03-05.

Allele frequency attached by ClinVar (database versions not stated): TOPMed below 0.00001.

Submissions (3):

Mayo Clinic Laboratories, Mayo Clinic
Classification: Uncertain significance. Last evaluated: 2025-03-05. Review status: criteria provided, single submitter. Criteria: ACMG Guidelines, 2015. Collection method: clinical testing. Allele origin: germline. Observed: 2 variant alleles.
Comment: PM2_supporting

Quest Diagnostics Nichols Institute San Juan Capistrano
Classification: Uncertain significance. Last evaluated: 2024-10-30. Review status: criteria provided, single submitter. Criteria: Quest Diagnostics criteria. Collection method: clinical testing. Allele origin: unknown.
Comment: The VWF c.1048T>C (p.Cys350Arg) variant has not been reported in individuals with VWF-related conditions in the published literature. It also has not been reported in large, multi-ethnic general populations (Genome Aggregation Database). Analysis of this variant using bioinformatics tools for the prediction of the effect of amino acid changes on protein structure and function yielded predictions that this variant is damaging. Based on the available information, we are unable to determine the clinical significance of this variant.

ARUP Laboratories, Molecular Genetics and Genomics, ARUP Laboratories
Classification: Uncertain significance. Last evaluated: 2023-10-16. Review status: criteria provided, single submitter. Criteria: ARUP Molecular Germline Variant Investigation Process 2024. Collection method: clinical testing. Allele origin: germline.
Comment: The VWF c.1048T>C; p.Cys350Arg variant (rs1944791326), to our knowledge, is not reported in the medical literature or gene specific databases. This variant is also absent from the Genome Aggregation Database, indicating it is not a common polymorphism. Computational analyses are uncertain whether this variant is neutral or deleterious (REVEL: 0.637). Due to limited information, the clinical significance of this variant is uncertain at this time.

NM_000552.5(VWF):c.1048T>C (p.Cys350Arg)

Gene: VWF (von Willebrand factor; minus strand). Cytogenetic location: 12p13.31.
Variant type: single nucleotide variant.
Coding change: c.1048T>C on transcript NM_000552.5 (MANE Select); coding-DNA position 1048, T replaced by C.
Protein change: p.Cys350Arg; replaces cysteine 350 with arginine.
Molecular consequence: missense variant.
Genome position (GRCh38, 1-based): chr12:6,072,392, A>G on the plus strand (T>C on the coding strand, the complement: VWF is on the minus strand). VCF-style: chr12-6072392-A-G. GRCh37 (hg19) VCF-style: chr12-6181558-A-G.
Other names: p.Cys350Arg; c.1048T>C (NM_000552.4); short protein forms C350R.
Identifiers: ClinVar variation 2921234 (VCV002921234.3), dbSNP rs1944791326, ClinGen allele CA383505336.
Genomic context (GRCh38, chr12:6,072,392, plus strand): 5'-AGGTGTTGCAGTCTCGAGAGAGGGAGGTGCCGGGAGGGTAGCGCTTTCCGGAATGCACGC[A>G]GGGACACTCGGTGCTCTCCACGCAGAGGCCTTCATCCAGGAGCTGTCCCTCTGGGGTCAA-3'
Protein context (NP_000543.3, residues 340-360): GLCVESTECP[Cys350Arg]VHSGKRYPPG